The following is an entry in ClinVar:

ClinVar aggregate classification (germline): Pathogenic (1 of 4 stars; one submission).

Conditions:
Hypertrophic cardiomyopathy. Also called: HYPERTROPHIC MYOCARDIOPATHY. Identifiers: Orphanet 217569, MedGen C0007194, MeSH D002312, MONDO:0005045, HP:0001639.

Submission:

Labcorp Genetics (formerly Invitae), Labcorp
Classification: Pathogenic for Hypertrophic cardiomyopathy. Last evaluated: 2021-10-16. Review status: criteria provided, single submitter. Criteria: Invitae Variant Classification Sherloc (09022015). Collection method: clinical testing. Allele origin: germline.
Comment: This sequence change creates a premature translational stop signal (p.Lys135*) in the MYBPC3 gene. It is expected to result in an absent or disrupted protein product. Loss-of-function variants in MYBPC3 are known to be pathogenic (PMID: 19574547). This variant is not present in population databases (ExAC no frequency). This variant has not been reported in the literature in individuals affected with MYBPC3-related conditions. For these reasons, this variant has been classified as Pathogenic.

Literature cited by the submitters: PubMed 19574547.

NM_000256.3(MYBPC3):c.403A>T (p.Lys135Ter)

Gene: MYBPC3 (myosin binding protein C3; minus strand). Cytogenetic location: 11p11.2.
Variant type: single nucleotide variant.
Coding change: c.403A>T on transcript NM_000256.3 (MANE Select); coding-DNA position 403, A replaced by T.
Protein change: p.Lys135Ter; replaces lysine 135 with a stop codon.
Molecular consequence: nonsense.
Genome position (GRCh38, 1-based): chr11:47,350,505, T>A on the plus strand (A>T on the coding strand, the complement: MYBPC3 is on the minus strand). VCF-style: chr11-47350505-T-A. GRCh37 (hg19) VCF-style: chr11-47372056-T-A.
Other names: short protein forms K135*.
Identifiers: ClinVar variation 1453071 (VCV001453071.6), dbSNP rs2142868665, ClinGen allele CA380339279.